The following is an entry in ClinVar:

ClinVar aggregate classification (germline): Uncertain significance. Review status: criteria provided, multiple submitters, no conflicts (2 of 4 stars). 2 submissions from 2 submitters: Uncertain significance (2). Last evaluated 2022-09-07.

Conditions:
Autoinflammatory syndrome. Identifiers: Orphanet 93665, MedGen C3890737, MONDO:0019751.
Deficiency of adenosine deaminase 2. Also called: Polyarteritis nodosa, childhoood-onset; Adenosine Deaminase 2 Deficiency; VASCULITIS, AUTOINFLAMMATION, IMMUNODEFICIENCY, AND HEMATOLOGIC DEFECTS SYNDROME. Identifiers: Orphanet 404553, MedGen C3887654, MONDO:0014306, OMIM 615688, MONDO:0100317.

Allele frequency attached by ClinVar (database versions not stated): gnomAD below 0.00001 and 0.00001; TOPMed 0.00001; gnomAD exomes 0.00003 and 0.00008; ExAC 0.00006.
gnomAD v4.1: 54 of 1,613,180 alleles (0.0033%); highest among the groups gnomAD compares: South Asian, 0.046%; 1 homozygote.

Submissions (2):

Labcorp Genetics (formerly Invitae), Labcorp
Classification: Uncertain significance for Deficiency of adenosine deaminase 2. Last evaluated: 2022-09-07. Review status: criteria provided, single submitter. Criteria: Invitae Variant Classification Sherloc (09022015). Collection method: clinical testing. Allele origin: germline.
Comment: This sequence change replaces arginine, which is basic and polar, with glutamine, which is neutral and polar, at codon 9 of the ADA2 protein (p.Arg9Gln). This variant is present in population databases (rs766367978, gnomAD 0.06%). This variant has not been reported in the literature in individuals affected with ADA2-related conditions. ClinVar contains an entry for this variant (Variation ID: 649840). Algorithms developed to predict the effect of missense changes on protein structure and function output the following: SIFT: "Tolerated"; PolyPhen-2: "Benign"; Align-GVGD: "Class C0". The glutamine amino acid residue is found in multiple mammalian species, which suggests that this missense change does not adversely affect protein function. Algorithms developed to predict the effect of sequence changes on RNA splicing suggest that this variant may create or strengthen a splice site. In summary, the available evidence is currently insufficient to determine the role of this variant in disease. Therefore, it has been classified as a Variant of Uncertain Significance.

Genome Diagnostics Laboratory, The Hospital for Sick Children
Classification: Uncertain significance for Autoinflammatory syndrome. Last evaluated: 2020-12-04. Review status: criteria provided, single submitter. Criteria: ACMG Guidelines, 2015. Collection method: clinical testing. Allele origin: germline. Affected: yes.

NM_001282225.2(ADA2):c.26G>A (p.Arg9Gln)

Gene: ADA2 (adenosine deaminase 2; minus strand). Cytogenetic location: 22q11.1.
Variant type: single nucleotide variant.
Coding change: c.26G>A on transcript NM_001282225.2 (MANE Select); coding-DNA position 26, G replaced by A.
Protein change: p.Arg9Gln; replaces arginine 9 with glutamine.
Molecular consequence: missense variant. On other transcripts: intron variant (3).
Genome position (GRCh38, 1-based): chr22:17,209,652, C>T on the plus strand (G>A on the coding strand, the complement: ADA2 is on the minus strand). VCF-style: chr22-17209652-C-T. GRCh37 (hg19) VCF-style: chr22-17690542-C-T.
Other names: c.26G>A, p.Arg9Gln (NM_001282226.2); c.-47-54G>A (NM_001282227.2, NM_001282228.2); c.-38-2362G>A (NM_001282229.2); short protein forms R9Q.
Identifiers: ClinVar variation 649840 (VCV000649840.7), dbSNP rs766367978, ClinGen allele CA10088356.